The following is an entry in ClinVar:

ClinVar aggregate classification (germline): Uncertain significance (1 of 4 stars; one submission).

Conditions:
Birt-Hogg-Dube syndrome. Also called: Birt Hogg Dubé syndrome. Identifiers: Orphanet 122, MedGen C0346010, MONDO:0800444.

Submission:

Labcorp Genetics (formerly Invitae), Labcorp
Classification: Uncertain significance for Birt-Hogg-Dube syndrome. Last evaluated: 2023-06-22. Review status: criteria provided, single submitter. Criteria: Invitae Variant Classification Sherloc (09022015). Collection method: clinical testing. Allele origin: germline.
Comment: This sequence change replaces lysine, which is basic and polar, with glutamic acid, which is acidic and polar, at codon 534 of the FLCN protein (p.Lys534Glu). This variant is not present in population databases (gnomAD no frequency). This variant has not been reported in the literature in individuals affected with FLCN-related conditions. ClinVar contains an entry for this variant (Variation ID: 1349593). Advanced modeling of protein sequence and biophysical properties (such as structural, functional, and spatial information, amino acid conservation, physicochemical variation, residue mobility, and thermodynamic stability) performed at Invitae indicates that this missense variant is not expected to disrupt FLCN protein function. In summary, the available evidence is currently insufficient to determine the role of this variant in disease. Therefore, it has been classified as a Variant of Uncertain Significance.

NM_144997.7(FLCN):c.1600A>G (p.Lys534Glu)

Gene: FLCN (folliculin; minus strand). Cytogenetic location: 17p11.2.
Variant type: single nucleotide variant.
Coding change: c.1600A>G on transcript NM_144997.7 (MANE Select); coding-DNA position 1600, A replaced by G.
Protein change: p.Lys534Glu; replaces lysine 534 with glutamic acid.
Molecular consequence: missense variant.
Genome position (GRCh38, 1-based): chr17:17,213,795, T>C on the plus strand (A>G on the coding strand, the complement: FLCN is on the minus strand). VCF-style: chr17-17213795-T-C. GRCh37 (hg19) VCF-style: chr17-17117109-T-C.
Other names: c.1654A>G, p.Lys552Glu (NM_001353229.2); c.1600A>G, p.Lys534Glu (NM_001353230.2, NM_001353231.2); short protein forms K552E, K534E.
Identifiers: ClinVar variation 1349593 (VCV001349593.8), dbSNP rs2046821792, ClinGen allele CA398530404.
Genomic context (GRCh38, chr17:17,213,795, plus strand): 5'-TCCAGAACTTCAGCAGCTTGACATTGTCCTCCTCGGACGCACCCAGGATGCTCAGCAGCT[T>C]CTGTGTGTCCTCTTTGGGTCGACTGTCCACCTTGGTGAACTTAAAAAGCACCTTCACTTT-3'
Protein context (NP_659434.2, residues 524-544): VDSRPKEDTQ[Lys534Glu]LLSILGASEE